The following is an entry in ClinVar:

NM_001999.4(FBN2):c.2378G>T (p.Cys793Phe)

Gene: FBN2 (fibrillin 2; minus strand). Cytogenetic location: 5q23.3.
Variant type: single nucleotide variant.
Coding change: c.2378G>T on transcript NM_001999.4 (MANE Select); coding-DNA position 2378, G replaced by T.
Protein change: p.Cys793Phe; replaces cysteine 793 with phenylalanine.
Molecular consequence: missense variant.
Genome position (GRCh38, 1-based): chr5:128,364,650, C>A on the plus strand (G>T on the coding strand, the complement: FBN2 is on the minus strand). VCF-style: chr5-128364650-C-A. GRCh37 (hg19) VCF-style: chr5-127700343-C-A.
Other names: short protein forms C793F.
Identifiers: ClinVar variation 3370925 (VCV003370925.1).
Genomic context (GRCh38, chr5:128,364,650, plus strand): 5'-AATAACTTACCAATACAGTTTCTTCCAGAGGCATCTGGTTCATAGCCACTGTTGCAATTA[C>A]AACGGTAACTACCACGTAAGTTTTCACAAATCCCATTGGCACATATATCAGGATCCAAAG-3'
Protein context (NP_001990.2, residues 783-803): ICENLRGSYR[Cys793Phe]NCNSGYEPDA

ClinVar aggregate classification (germline): Uncertain significance (1 of 4 stars; one submission).

Submission:

GeneDx
Classification: Uncertain significance. Last evaluated: 2024-03-18. Review status: criteria provided, single submitter. Criteria: GeneDx Variant Classification Process June 2021. Collection method: clinical testing. Allele origin: germline. Affected: yes.
Comment: Not observed at significant frequency in large population cohorts (gnomAD); In silico analysis supports that this missense variant has a deleterious effect on protein structure/function; Has not been previously published as pathogenic or benign to our knowledge; This variant is associated with the following publications: (PMID: 18767143, 19006240)